The following is an entry in ClinVar:

NM_018192.4(P3H2):c.543C>T (p.His181=)

Gene: P3H2 (prolyl 3-hydroxylase 2; minus strand). Cytogenetic location: 3q28.
Variant type: single nucleotide variant.
Coding change: c.543C>T on transcript NM_018192.4 (MANE Select); coding-DNA position 543, C replaced by T.
Protein change: p.His181=; no amino-acid change (histidine 181 retained).
Molecular consequence: synonymous variant. On other transcripts: 5 prime UTR variant (1).
Genome position (GRCh38, 1-based): chr3:189,995,380, G>A on the plus strand (C>T on the coding strand, the complement: P3H2 is on the minus strand). VCF-style: chr3-189995380-G-A. GRCh37 (hg19) VCF-style: chr3-189713169-G-A.
Other names: c.-1C>T (NM_001134418.2).
Identifiers: ClinVar variation 4985622 (VCV004985622.1).
Genomic context (GRCh38, chr3:189,995,380, plus strand): 5'-CTGCAATGCTTCAACACCAGCTGTCGCCCTGTAATTCTCAATGTTCTGCTGCATTTCCAT[G>A]TGCTCAGGGTTAGCCACGAAAAATGTGTGAGCTGCTTCCACTGCTTTTTCGAGCTGGTTA-3'
Protein context (NP_060662.2, residues 171-191): AHTFFVANPE[His181=]MEMQQNIENY

ClinVar aggregate classification (germline): Likely benign (1 of 4 stars; one submission).

Conditions:
P3H2-related disorder. Also called: P3H2-related condition.

gnomAD v4.1: 5 of 1,613,970 alleles (0.00031%); highest among the groups gnomAD compares: Admixed American, 0.0033%; no homozygotes.

Submission:

PreventionGenetics, part of Exact Sciences
Classification: Likely benign for P3H2-related condition. Last evaluated: 2026-04-29. Review status: criteria provided, single submitter. Criteria: ACMG Guidelines, 2015. Collection method: clinical testing. Allele origin: germline.
Comment: This variant is classified as likely benign based on ACMG/AMP sequence variant interpretation guidelines (Richards et al. 2015 PMID: 25741868, with internal and published modifications).